The following is an entry in ClinVar:

NM_021939.4(FKBP10):c.622G>A (p.Gly208Ser)

Gene: FKBP10 (FKBP prolyl isomerase 10; plus strand). Cytogenetic location: 17q21.2.
Variant type: single nucleotide variant.
Coding change: c.622G>A on transcript NM_021939.4 (MANE Select); coding-DNA position 622, G replaced by A.
Protein change: p.Gly208Ser; replaces glycine 208 with serine.
Molecular consequence: missense variant.
Genome position (GRCh38, 1-based): chr17:41,818,422, G>A. VCF-style: chr17-41818422-G-A. GRCh37 (hg19) VCF-style: chr17-39974674-G-A.
Other names: short protein forms G208S.
Identifiers: ClinVar variation 1404991 (VCV001404991.5), dbSNP rs2047843889, ClinGen allele CA399514836.
Genomic context (GRCh38, chr17:41,818,422, plus strand): 5'-CTCCACCTCATTTTCTGCAGCTACAGTAAGGGCGGCACTTATGACACCTACGTCGGCTCT[G>A]GTTGGCTGATCAAGGGCATGGACCAGGGGCTGCTGGGCATGTGTCCTGGAGAGAGAAGGA-3'
Protein context (NP_068758.3, residues 198-218): GGTYDTYVGS[Gly208Ser]WLIKGMDQGL

ClinVar aggregate classification (germline): Uncertain significance (1 of 4 stars; one submission).

Allele frequency attached by ClinVar (database versions not stated): gnomAD exomes below 0.00001; TOPMed below 0.00001.
gnomAD v4.1: 2 of 1,614,208 alleles (0.00012%); highest among the groups gnomAD compares: Non-Finnish European, 0.00017%; no homozygotes.

Submission:

Labcorp Genetics (formerly Invitae), Labcorp
Classification: Uncertain significance. Last evaluated: 2025-01-06. Review status: criteria provided, single submitter. Criteria: Invitae Variant Classification Sherloc (09022015). Collection method: clinical testing. Allele origin: germline.
Comment: This sequence change replaces glycine, which is neutral and non-polar, with serine, which is neutral and polar, at codon 208 of the FKBP10 protein (p.Gly208Ser). This variant is not present in population databases (gnomAD no frequency). This variant has not been reported in the literature in individuals affected with FKBP10-related conditions. ClinVar contains an entry for this variant (Variation ID: 1404991). Invitae Evidence Modeling of protein sequence and biophysical properties (such as structural, functional, and spatial information, amino acid conservation, physicochemical variation, residue mobility, and thermodynamic stability) indicates that this missense variant is not expected to disrupt FKBP10 protein function with a negative predictive value of 80%. In summary, the available evidence is currently insufficient to determine the role of this variant in disease. Therefore, it has been classified as a Variant of Uncertain Significance.